The following is an entry in ClinVar:

ClinVar aggregate classification (germline): Uncertain significance. Review status: criteria provided, multiple submitters, no conflicts (2 of 4 stars). 2 submissions from 2 submitters: Uncertain significance (2). Last evaluated 2025-12-03.

Conditions:
Peroxisome biogenesis disorder 11A (Zellweger). Also called: Peroxisome biogenesis disorder 11A. Identifiers: Orphanet 912, MedGen C3554000, MONDO:0013949, OMIM 614883.
Inborn genetic diseases. Identifiers: MedGen C0950123, MeSH D030342.

Allele frequency attached by ClinVar (database versions not stated): gnomAD 0.00001; gnomAD exomes 0.00001; ExAC 0.00002; TOPMed 0.00002.
gnomAD v4.1: 9 of 1,614,000 alleles (0.00056%); highest among the groups gnomAD compares: Non-Finnish European, 0.00068%; no homozygotes.

Submissions (2):

Labcorp Genetics (formerly Invitae), Labcorp
Classification: Uncertain significance for Peroxisome biogenesis disorder 11A (Zellweger). Last evaluated: 2025-12-03. Review status: criteria provided, single submitter. Criteria: Invitae Variant Classification Sherloc (09022015). Collection method: clinical testing. Allele origin: germline.
Comment: This sequence change replaces glutamine, which is neutral and polar, with histidine, which is basic and polar, at codon 351 of the PEX13 protein (p.Gln351His). This variant is present in population databases (rs759524829, gnomAD 0.004%). This variant has not been reported in the literature in individuals affected with PEX13-related conditions. ClinVar contains an entry for this variant (Variation ID: 1374799). Invitae Evidence Modeling of protein sequence and biophysical properties (such as structural, functional, and spatial information, amino acid conservation, physicochemical variation, residue mobility, and thermodynamic stability) indicates that this missense variant is not expected to disrupt PEX13 protein function with a negative predictive value of 80%. In summary, the available evidence is currently insufficient to determine the role of this variant in disease. Therefore, it has been classified as a Variant of Uncertain Significance.

Ambry Genetics
Classification: Uncertain significance for Inborn genetic diseases. Last evaluated: 2022-09-29. Review status: criteria provided, single submitter. Criteria: Ambry Variant Classification Scheme 2023. Collection method: clinical testing. Allele origin: germline.

NM_002618.4(PEX13):c.1053G>C (p.Gln351His)

Gene: PEX13 (peroxisomal biogenesis factor 13; plus strand). Cytogenetic location: 2p15.
Variant type: single nucleotide variant.
Coding change: c.1053G>C on transcript NM_002618.4 (MANE Select); coding-DNA position 1053, G replaced by C.
Protein change: p.Gln351His; replaces glutamine 351 with histidine.
Molecular consequence: missense variant.
Genome position (GRCh38, 1-based): chr2:61,048,611, G>C. VCF-style: chr2-61048611-G-C. GRCh37 (hg19) VCF-style: chr2-61275746-G-C.
Other names: c.1053G>C (NM_002618.3); short protein forms Q351H.
Identifiers: ClinVar variation 1374799 (VCV001374799.5), dbSNP rs759524829, ClinGen allele CA1673423.